The following is an entry in ClinVar:

NM_005862.3(STAG1):c.3317T>A (p.Ile1106Asn)

Gene: STAG1 (STAG1 cohesin complex component; minus strand). Cytogenetic location: 3q22.3.
Variant type: single nucleotide variant.
Coding change: c.3317T>A on transcript NM_005862.3 (MANE Select); coding-DNA position 3317, T replaced by A.
Protein change: p.Ile1106Asn; replaces isoleucine 1106 with asparagine.
Molecular consequence: missense variant.
Genome position (GRCh38, 1-based): chr3:136,343,961, A>T on the plus strand (T>A on the coding strand, the complement: STAG1 is on the minus strand). VCF-style: chr3-136343961-A-T. GRCh37 (hg19) VCF-style: chr3-136062803-A-T.
Other names: short protein forms I1106N.
Identifiers: ClinVar variation 3363501 (VCV003363501.1).

ClinVar aggregate classification (germline): Uncertain significance (1 of 4 stars; one submission).

Submission:

GeneDx
Classification: Uncertain significance. Last evaluated: 2023-10-27. Review status: criteria provided, single submitter. Criteria: GeneDx Variant Classification Process June 2021. Collection method: clinical testing. Allele origin: germline. Affected: yes.
Comment: Not observed at significant frequency in large population cohorts (gnomAD); In silico analysis supports that this missense variant does not alter protein structure/function; Has not been previously published as pathogenic or benign to our knowledge